The following is an entry in ClinVar:

NM_000051.4(ATM):c.6680G>C (p.Arg2227Pro)

Genes: ATM (ATM serine/threonine kinase; plus strand), C11orf65 (chromosome 11 open reading frame 65; minus strand). Cytogenetic location: 11q22.3.
Variant type: single nucleotide variant.
Coding change: c.6680G>C on transcript NM_000051.4 (MANE Select); coding-DNA position 6680, G replaced by C.
Protein change: p.Arg2227Pro; replaces arginine 2227 with proline.
Molecular consequence: missense variant. On other transcripts: intron variant (2).
Genome position (GRCh38, 1-based): chr11:108,325,417, G>C. VCF-style: chr11-108325417-G-C. GRCh37 (hg19) VCF-style: chr11-108196144-G-C.
Other names: c.6680G>C, p.Arg2227Pro (NM_001351834.2); c.641-16346C>G (NM_001330368.2); c.*38+9803C>G (NM_001351110.2); short protein forms R2227P.
Identifiers: ClinVar variation 2774702 (VCV002774702.1), dbSNP rs879254132, ClinGen allele CA382554882.

ClinVar aggregate classification (germline): Uncertain significance (1 of 4 stars; one submission).

Conditions:
Hereditary cancer-predisposing syndrome. Also called: Tumor predisposition; Neoplastic Syndromes, Hereditary; Hereditary Cancer Syndrome; Hereditary neoplastic syndrome. Identifiers: Orphanet 140162, MedGen C0027672, MeSH D009386, MONDO:0015356.

Submission:

Color Diagnostics, LLC DBA Color Health
Classification: Uncertain significance for Hereditary cancer-predisposing syndrome. Last evaluated: 2023-02-13. Review status: criteria provided, single submitter. Criteria: ACMG Guidelines, 2015. Collection method: clinical testing. Allele origin: germline.
Comment: This missense variant replaces arginine with proline at codon 2227 of the ATM protein. Computational prediction suggests that this variant may have deleterious impact on protein structure and function (internally defined REVEL score threshold >= 0.7, PMID: 27666373). To our knowledge, functional studies have not been reported for this variant. A different missense variant occurring at the same position, p.Arg2227Cys, is known to be disease-causing (ClinVar variation ID: 181981), indicating arginine at this position is important for ATM function. This variant has not been reported in individuals affected with hereditary cancer in the literature. This variant has not been identified in the general population by the Genome Aggregation Database (gnomAD). The available evidence specific for the p.Arg2227Pro variant is insufficient to determine the role of this variant in disease conclusively. Therefore, this variant is classified as a Variant of Uncertain Significance.